The following is an entry in ClinVar:

ClinVar aggregate classification (germline): Benign. Review status: reviewed by expert panel (3 of 4 stars). 16 submissions from 16 submitters: Benign (1). 15 of the submissions do not count toward it. Last evaluated 2022-05-18.

Conditions:
DICER1-related disorder. Also called: DICER1-related condition.
DICER1-related tumor predisposition. Also called: DICER1-related pleuropulmonary blastoma cancer predisposition syndrome; DICER1 syndrome. Identifiers: Orphanet 284343, MedGen C3839822, MONDO:0100216.
Hereditary cancer-predisposing syndrome. Also called: Tumor predisposition; Hereditary neoplastic syndrome; Neoplastic Syndromes, Hereditary; Hereditary Cancer Syndrome. Identifiers: Orphanet 140162, MedGen C0027672, MeSH D009386, MONDO:0015356.

Allele frequency attached by ClinVar (database versions not stated): TOPMed 0.00222; gnomAD exomes 0.00050; ExAC 0.00063; gnomAD 0.00167 and 0.00180; 1000 Genomes Project 0.00200; 1000 Genomes Project 30x 0.00203; ESP Exome Variant Server 0.00215.
gnomAD v4.1: 603 of 1,614,150 alleles (0.037%); highest among the groups gnomAD compares: African/African-American, 0.62%; 3 homozygotes.

Submissions (16):

ClinGen DICER1 and miRNA-Processing Gene Variant Curation Expert Panel, ClinGen
Classification: Benign for DICER1-related tumor predisposition. Last evaluated: 2022-05-18. Review status: reviewed by expert panel. Criteria: ClinGen DICER1 ACMG Specifications DICER1 v1. Collection method: curation. Allele origin: germline. Inheritance: Autosomal dominant inheritance.
Comment: The NM_177438.2:c.1825G>T variant in DICER1 is a missense variant predicted to cause substitution of Aspartic Acid by Tyrosine at amino acid 609 (p.Asp609Tyr). The highest population minor allele frequency in gnomAD non cancer dataset v2.1.1 is 0.006310 (149/23614 alleles) in the African population, which is higher than the ClinGen DICER1 VCEP threshold (>0.003) for BA1, and therefore meets this criterion (BA1). In summary, this variant meets the criteria to be classified as Benign for DICER1 syndrome based on the ACMG/AMP criteria applied, as specified by the ClinGen DICER1 VCEP: BA1. (Bayesian Points: NA; VCEP specifications version 1; 02/11/2022)

Myriad Genetics, Inc.
Classification: Likely benign for DICER1-related tumor predisposition. Last evaluated: 2026-04-13. Review status: criteria provided, single submitter. Criteria: Myriad Autosomal Dominant, Autosomal Recessive and X-Linked Classification Criteria (2023). Collection method: clinical testing. Allele origin: unknown. Not counted in ClinVar's aggregate classification.
Comment: This variant is considered likely benign. This variant has been observed at a population frequency that is significantly greater than expected given the associated disease prevalence and penetrance.

Labcorp Genetics (formerly Invitae), Labcorp
Classification: Benign for DICER1-related tumor predisposition. Last evaluated: 2026-02-04. Review status: criteria provided, single submitter. Criteria: Invitae Variant Classification Sherloc (09022015). Collection method: clinical testing. Allele origin: germline. Not counted in ClinVar's aggregate classification.

Quest Diagnostics Nichols Institute San Juan Capistrano
Classification: Benign. Last evaluated: 2025-09-11. Review status: criteria provided, single submitter. Criteria: Quest Diagnostics criteria. Collection method: clinical testing. Allele origin: unknown. Not counted in ClinVar's aggregate classification.

Mayo Clinic Laboratories, Mayo Clinic
Classification: Benign. Last evaluated: 2025-07-23. Review status: criteria provided, single submitter. Criteria: ACMG Guidelines, 2015. Collection method: clinical testing. Allele origin: germline. Observed: 1 variant allele. Not counted in ClinVar's aggregate classification.
Comment: BA1, BP4

Center for Genomic Medicine, Rigshospitalet, Copenhagen University Hospital
Classification: Benign. Last evaluated: 2025-03-04. Review status: criteria provided, single submitter. Criteria: ACMG Guidelines, 2015. Collection method: clinical testing. Allele origin: germline. Not counted in ClinVar's aggregate classification.

Blueprint Genetics
Classification: Likely benign. Last evaluated: 2024-11-13. Review status: criteria provided, single submitter. Criteria: ACMG Guidelines, 2015. Collection method: clinical testing. Allele origin: germline. Not counted in ClinVar's aggregate classification.

ARUP Laboratories, Molecular Genetics and Genomics, ARUP Laboratories
Classification: Benign. Last evaluated: 2023-06-19. Review status: criteria provided, single submitter. Criteria: ARUP Molecular Germline Variant Investigation Process 2024. Collection method: clinical testing. Allele origin: germline. Not counted in ClinVar's aggregate classification.

Genetic Services Laboratory, University of Chicago
Classification: Benign. Last evaluated: 2021-11-29. Review status: criteria provided, single submitter. Criteria: ACMG Guidelines, 2015. Collection method: clinical testing. Allele origin: germline. Affected: no. Not counted in ClinVar's aggregate classification.

GeneDx
Classification: Likely benign. Last evaluated: 2021-09-20. Review status: criteria provided, single submitter. Criteria: GeneDx Variant Classification Process June 2021. Collection method: clinical testing. Allele origin: germline. Affected: yes. Not counted in ClinVar's aggregate classification.
Comment: This variant is associated with the following publications: (PMID: 23555315, 28007021, 24728327)

Sema4
Classification: Benign for Hereditary cancer-predisposing syndrome. Last evaluated: 2020-10-06. Review status: criteria provided, single submitter. Criteria: Sema4 Curation Guidelines. Collection method: curation. Allele origin: germline. Not counted in ClinVar's aggregate classification.

Ambry Genetics
Classification: Likely benign for Hereditary cancer-predisposing syndrome. Last evaluated: 2018-08-24. Review status: criteria provided, single submitter. Criteria: Ambry Variant Classification Scheme 2023. Collection method: clinical testing. Allele origin: germline. Not counted in ClinVar's aggregate classification.

Illumina Laboratory Services, Illumina
Classification: Benign for Pleuropulmonary blastoma. Last evaluated: 2018-01-12. Review status: criteria provided, single submitter. Criteria: ICSL Variant Classification Criteria 13 December 2019. Collection method: clinical testing. Allele origin: germline. Not counted in ClinVar's aggregate classification.
Comment: This variant was observed in the ICSL laboratory as part of a predisposition screen in an ostensibly healthy population. It had not been previously curated by ICSL or reported in the Human Gene Mutation Database (HGMD: prior to June 1st, 2018), and was therefore a candidate for classification through an automated scoring system. Utilizing variant allele frequency, disease prevalence and penetrance estimates, and inheritance mode, an automated score was calculated to assess if this variant is too frequent to cause the disease. Based on the score and internal cut-off values, a variant classified as benign is not then subjected to further curation. The score for this variant resulted in a classification of benign for this disease.

Breakthrough Genomics
Classification: Likely benign. Review status: criteria provided, single submitter. Criteria: ACMG Guidelines, 2015. Collection method: not provided. Allele origin: germline. Inheritance: Autosomal dominant inheritance. Affected: yes. Not counted in ClinVar's aggregate classification.

PreventionGenetics, part of Exact Sciences
Classification: Benign for DICER1-related condition. Last evaluated: 2022-07-22. Review status: no assertion criteria provided. Collection method: clinical testing. Allele origin: germline. Not counted in ClinVar's aggregate classification.
Comment: This variant is classified as benign based on ACMG/AMP sequence variant interpretation guidelines (Richards et al. 2015 PMID: 25741868, with internal and published modifications).

ITMI
No classification provided. Condition: AllHighlyPenetrant. Last evaluated: 2013-09-19. Review status: no classification provided. Collection method: reference population. Allele origin: germline. Not counted in ClinVar's aggregate classification.
Comment: Please see associated publication for description of ethnicities

Literature cited by the submitters: PubMed 24728327 (cited by Quest Diagnostics Nichols Institute San Juan Capistrano and ITMI); PubMed 28007021 (cited by Quest Diagnostics Nichols Institute San Juan Capistrano).

NM_177438.3(DICER1):c.1825G>T (p.Asp609Tyr)

Gene: DICER1 (dicer 1, ribonuclease III; minus strand). Cytogenetic location: 14q32.13.
Variant type: single nucleotide variant.
Coding change: c.1825G>T on transcript NM_177438.3 (MANE Select); coding-DNA position 1825, G replaced by T.
Protein change: p.Asp609Tyr; replaces aspartic acid 609 with tyrosine.
Molecular consequence: missense variant.
Genome position (GRCh38, 1-based): chr14:95,115,749, C>A on the plus strand (G>T on the coding strand, the complement: DICER1 is on the minus strand). VCF-style: chr14-95115749-C-A. GRCh37 (hg19) VCF-style: chr14-95582086-C-A.
Other names: NM_177438.2(DICER1):c.1825G>T; p.Asp609Tyr; c.1825G>T, p.Asp609Tyr (NM_001195573.1, NM_001271282.3, NM_001291628.2 and 1 more transcripts); short protein forms D609Y.
Identifiers: ClinVar variation 133965 (VCV000133965.39), dbSNP rs114947750, ClinGen allele CA158261.